The following is an entry in ClinVar:

ClinVar aggregate classification (germline): Uncertain significance (1 of 4 stars; one submission).

Conditions:
RHYNS syndrome. Also called: RETINITIS PIGMENTOSA SYNDROME; RETINITIS PIGMENTOSA, HYPOPITUITARISM, NEPHRONOPHTHISIS, AND MILD SKELETAL DYSPLASIA. Identifiers: Orphanet 140976, MedGen C1865794, MONDO:0011202, OMIM 602152.

Allele frequency attached by ClinVar (database versions not stated): gnomAD 0.00001; TOPMed 0.00001.

Submission:

Centre for Mendelian Genomics, University Medical Centre Ljubljana
Classification: Uncertain significance for RHYNS syndrome. Last evaluated: 2019-08-20. Review status: criteria provided, single submitter. Criteria: ACMG Guidelines, 2015. Collection method: clinical testing. Allele origin: unknown. Affected: yes.
Comment: This variant was classified as: Uncertain significance. The available evidence on this variant's pathogenicity is insufficient or conflicting. The following ACMG criteria were applied in classifying this variant: PM2,PP2,BP4.

NM_153704.6(TMEM67):c.406+1349G>A

Gene: TMEM67 (transmembrane protein 67; plus strand). Cytogenetic location: 8q22.1.
Variant type: single nucleotide variant.
Coding change: c.406+1349G>A on transcript NM_153704.6 (MANE Select); 1349 bases into the intron after coding-DNA position 406, G replaced by A.
Molecular consequence: intron variant. On other transcripts: missense variant (1).
Genome position (GRCh38, 1-based): chr8:93,759,925, G>A. VCF-style: chr8-93759925-G-A. GRCh37 (hg19) VCF-style: chr8-94772153-G-A.
Other names: c.95G>A, p.Arg32Lys (NM_001142301.1); short protein forms R32K.
Identifiers: ClinVar variation 931688 (VCV000931688.3), dbSNP rs1211814341, ClinGen allele CA371686112.